The following is an entry in ClinVar:

ClinVar aggregate classification (germline): Uncertain significance (1 of 4 stars; one submission).

Submission:

Labcorp Genetics (formerly Invitae), Labcorp
Classification: Uncertain significance. Last evaluated: 2022-09-27. Review status: criteria provided, single submitter. Criteria: Invitae Variant Classification Sherloc (09022015). Collection method: clinical testing. Allele origin: germline.
Comment: A copy number gain of the genomic region encompassing the full coding sequence of the TMEM107 gene has been identified. The boundaries of this event are unknown as they extend beyond the assayed region for this gene and therefore may encompass additional genes. As the precise location of this event is unknown, it may be in tandem or it may be located elsewhere in the genome. This variant has not been reported in the literature in individuals affected with TMEM107-related conditions. Experimental studies and prediction algorithms are not available or were not evaluated, and the functional significance of this variant is currently unknown. In summary, the available evidence is currently insufficient to determine the role of this variant in disease. Therefore, it has been classified as a Variant of Uncertain Significance.

NC_000017.10:g.(?_8076751)_(8079604_?)dup

Gene: TMEM107 (transmembrane protein 107; minus strand). Cytogenetic location: 17p13.1.
Variant type: Duplication.
Identifiers: ClinVar variation 1448332 (VCV001448332.4).